The following is an entry in ClinVar:

NM_000492.4(CFTR):c.1858C>T (p.His620Tyr)

Gene: CFTR (CF transmembrane conductance regulator; plus strand). Cytogenetic location: 7q31.2.
Variant type: single nucleotide variant.
Coding change: c.1858C>T on transcript NM_000492.4 (MANE Select); coding-DNA position 1858, C replaced by T.
Protein change: p.His620Tyr; replaces histidine 620 with tyrosine.
Molecular consequence: missense variant.
Genome position (GRCh38, 1-based): chr7:117,592,025, C>T. VCF-style: chr7-117592025-C-T. GRCh37 (hg19) VCF-style: chr7-117232079-C-T.
Other names: short protein forms H620Y.
Identifiers: ClinVar variation 2503925 (VCV002503925.1), dbSNP rs2485109234, ClinGen allele CA368978469.
Genomic context (GRCh38, chr7:117,592,025, plus strand): 5'-AGGATTTTGGTCACTTCTAAAATGGAACATTTAAAGAAAGCTGACAAAATATTAATTTTG[C>T]ATGAAGGTAGCAGCTATTTTTATGGGACATTTTCAGAACTCCAAAATCTACAGCCAGACT-3'
Protein context (NP_000483.3, residues 610-630): LKKADKILIL[His620Tyr]EGSSYFYGTF

ClinVar aggregate classification (germline): Uncertain significance (1 of 4 stars; one submission).

gnomAD v4.1: 1 of 1,594,816 alleles (0.000063%); highest among the groups gnomAD compares: Non-Finnish European, 0.000085%; no homozygotes.

Submission:

Women's Health and Genetics/Laboratory Corporation of America, LabCorp
Classification: Uncertain significance. Last evaluated: 2023-04-28. Review status: criteria provided, single submitter. Criteria: LabCorp Variant Classification Summary - May 2015. Collection method: clinical testing. Allele origin: germline.
Comment: Variant summary: CFTR c.1858C>T (p.His620Tyr) results in a conservative amino acid change located in the ABC transporter-like, ATP-binding domain (IPR003439) of the encoded protein sequence. Four of five in-silico tools predict a damaging effect of the variant on protein function. The variant allele was found at a frequency of 4.2e-06 in 236208 control chromosomes (gnomAD, Zou_2018). The available data on variant occurrences in the general population are insufficient to allow any conclusion about variant significance. c.1858C>T has been reported in the literature in one compound heterozygous individual affected with Congenital Absense of the Vas Deferens (Li_2022). These data do not allow any conclusion about variant significance. To our knowledge, no experimental evidence demonstrating an impact on protein function has been reported. The following publications have been ascertained in the context of this evaluation (PMID: 34931337, 30420730). No clinical diagnostic laboratories have submitted clinical-significance assessments for this variant to ClinVar after 2014. Based on the evidence outlined above, the variant was classified as uncertain significance.

Literature cited by the submitters: PubMed 30420730; PubMed 34931337.